The following is an entry in ClinVar:

ClinVar aggregate classification (germline): Uncertain significance (1 of 4 stars; one submission).

Conditions:
Combined immunodeficiency due to DOCK8 deficiency (HIES2). Also called: HIES autosomal recessive; HYPER-IgE RECURRENT INFECTION SYNDROME 2, AUTOSOMAL RECESSIVE; HYPER-IgE SYNDROME 2, AUTOSOMAL RECESSIVE, WITH RECURRENT INFECTIONS; Hyper-IgE recurrent infection syndrome, autosomal recessive; DOCK8 Deficiency. Identifiers: Orphanet 217390, MedGen C4722305, MONDO:0009478, OMIM 243700.

Allele frequency attached by ClinVar (database versions not stated): gnomAD 0.00001.

Submission:

Labcorp Genetics (formerly Invitae), Labcorp
Classification: Uncertain significance for Combined immunodeficiency due to DOCK8 deficiency. Last evaluated: 2022-02-05. Review status: criteria provided, single submitter. Criteria: Invitae Variant Classification Sherloc (09022015). Collection method: clinical testing. Allele origin: germline.
Comment: This variant is not present in population databases (gnomAD no frequency). This sequence change replaces methionine, which is neutral and non-polar, with isoleucine, which is neutral and non-polar, at codon 923 of the DOCK8 protein (p.Met923Ile). This variant has not been reported in the literature in individuals affected with DOCK8-related conditions. Algorithms developed to predict the effect of missense changes on protein structure and function (SIFT, PolyPhen-2, Align-GVGD) all suggest that this variant is likely to be tolerated. In summary, the available evidence is currently insufficient to determine the role of this variant in disease. Therefore, it has been classified as a Variant of Uncertain Significance.

NM_203447.4(DOCK8):c.2769G>A (p.Met923Ile)

Gene: DOCK8 (dedicator of cytokinesis 8; plus strand). Cytogenetic location: 9p24.3.
Variant type: single nucleotide variant.
Coding change: c.2769G>A on transcript NM_203447.4 (MANE Select); coding-DNA position 2769, G replaced by A.
Protein change: p.Met923Ile; replaces methionine 923 with isoleucine.
Molecular consequence: missense variant.
Genome position (GRCh38, 1-based): chr9:382,676, G>A. VCF-style: chr9-382676-G-A. GRCh37 (hg19) VCF-style: chr9-382676-G-A.
Other names: c.2565G>A, p.Met855Ile (NM_001190458.2, NM_001193536.2); short protein forms M923I, M855I.
Identifiers: ClinVar variation 2093386 (VCV002093386.4), dbSNP rs1451507923, ClinGen allele CA372765456.
Genomic context (GRCh38, chr9:382,676, plus strand): 5'-CAGTAACCCAGACCTCGCGGGGACACACTCCGCAGCAGACGAGGAAGTGAAGAACATCAT[G>A]TCTTCAAAGGTAGGAAAGATGTCAAACCGTGGAAGGGGACACAGGCTTTTTTATTTTTTA-3'
Protein context (NP_982272.2, residues 913-933): SAADEEVKNI[Met923Ile]SSKIADRNCS